The following is an entry in ClinVar:

ClinVar aggregate classification (germline): Likely pathogenic. Review status: criteria provided, multiple submitters, no conflicts (2 of 4 stars). 3 submissions from 3 submitters: Likely pathogenic (2). 1 of the submissions does not count toward it. Last evaluated 2024-06-10.

Conditions:
Familial porphyria cutanea tarda (PCT). Also called: PCT, ''FAMILIAL'' TYPE; PCT, TYPE II; PORPHYRIA CUTANEA TARDA, TYPE II; PORPHYRIA, HEPATOCUTANEOUS TYPE; UROD DEFICIENCY; UROPORPHYRINOGEN DECARBOXYLASE DEFICIENCY. Identifiers: Orphanet 101330, Orphanet 443062, MedGen C0268323, MONDO:0008296, OMIM 176100.
UROD-related disorder. Also called: UROD-related condition; UROD-related disorders.

gnomAD v4.1: 2 of 1,614,210 alleles (0.00012%); highest among the groups gnomAD compares: Non-Finnish European, 0.00017%; no homozygotes.

Submissions (3):

Labcorp Genetics (formerly Invitae), Labcorp
Classification: Likely pathogenic. Last evaluated: 2024-06-10. Review status: criteria provided, single submitter. Criteria: Invitae Variant Classification Sherloc (09022015). Collection method: clinical testing. Allele origin: germline.
Comment: This sequence change replaces arginine, which is basic and polar, with proline, which is neutral and non-polar, at codon 193 of the UROD protein (p.Arg193Pro). This variant is present in population databases (no rsID available, gnomAD 0.0009%). This missense change has been observed in individual(s) with porphyria cutanea tarda (PMID: 11719352, 19233912). ClinVar contains an entry for this variant (Variation ID: 254172). Advanced modeling of protein sequence and biophysical properties (such as structural, functional, and spatial information, amino acid conservation, physicochemical variation, residue mobility, and thermodynamic stability) performed at Invitae indicates that this missense variant is not expected to disrupt UROD protein function with a negative predictive value of 80%. Studies have shown that this missense change alters UROD gene expression (PMID: 11719352). This variant disrupts the p.Arg193 amino acid residue in UROD. Other variant(s) that disrupt this residue have been observed in individuals with UROD-related conditions (PMID: 19233912), which suggests that this may be a clinically significant amino acid residue. In summary, the currently available evidence indicates that the variant is pathogenic, but additional data are needed to prove that conclusively. Therefore, this variant has been classified as Likely Pathogenic.

Women's Health and Genetics/Laboratory Corporation of America, LabCorp
Classification: Likely pathogenic for UROD-Related Disorders. Last evaluated: 2022-12-12. Review status: criteria provided, single submitter. Criteria: LabCorp Variant Classification Summary - May 2015. Collection method: clinical testing. Allele origin: germline.
Comment: Variant summary: UROD c.578G>C (p.Arg193Pro) results in a non-conservative amino acid change located in the Uroporphyrinogen decarboxylase (URO-D) domain (IPR000257) of the encoded protein sequence. Three of five in-silico tools predict a damaging effect of the variant on protein function. The variant allele was found at a frequency of 4e-06 in 251414 control chromosomes (gnomAD). c.578G>C has been reported in the literature in multiple individuals affected with Porphyria Cutanea Tarda, specifically in individuals of Norwegian ancestry (Phillips_2001, Aarsand_2009). These data indicate that the variant is very likely to be associated with disease. When the variant was expressed in an E. coli expression system, the resulting variant protein was insoluble (Phillips_2001). UROD is typically soluble, strongly suggesting the variant alters the structure of the final protein. One ClinVar submitter has assessed the variant since 2014: the variant was classified as likely pathogenic. Based on the evidence outlined above, the variant was classified as likely pathogenic.

GeneReviews
No classification provided. Condition: Familial porphyria cutanea tarda. Review status: no classification provided. Collection method: literature only. Allele origin: germline. Affected: yes. Not counted in ClinVar's aggregate classification.

Literature cited by the submitters: PubMed 11719352 (cited by Labcorp Genetics (formerly Invitae), Labcorp and Women's Health and Genetics/Laboratory Corporation of America, LabCorp); PubMed 19233912 (cited by 3 submitters); NCBI Bookshelf NBK143129 (cited by GeneReviews).

NM_000374.5(UROD):c.578G>C (p.Arg193Pro)

Gene: UROD (uroporphyrinogen decarboxylase; plus strand). Cytogenetic location: 1p34.1.
Variant type: single nucleotide variant.
Coding change: c.578G>C on transcript NM_000374.5 (MANE Select); coding-DNA position 578, G replaced by C.
Protein change: p.Arg193Pro; replaces arginine 193 with proline.
Molecular consequence: missense variant. On other transcripts: non-coding transcript variant (3).
Genome position (GRCh38, 1-based): chr1:45,014,012, G>C. VCF-style: chr1-45014012-G-C. GRCh37 (hg19) VCF-style: chr1-45479684-G-C.
Other names: short protein forms R193P.
Identifiers: ClinVar variation 254172 (VCV000254172.9), dbSNP rs143823335, ClinGen allele CA10586360.